The following is an entry in ClinVar:

NM_001298.3(CNGA3):c.396-4dup

Gene: CNGA3 (cyclic nucleotide gated channel subunit alpha 3; plus strand). Cytogenetic location: 2q11.2.
Variant type: Duplication.
Coding change: c.396-4dup on transcript NM_001298.3 (MANE Select); 4 bases into the intron before coding-DNA position 396, one base duplicated (G; older notation c.396-4dupG).
Molecular consequence: intron variant.
Genome position (GRCh38, 1-based): chr2:98,383,384, G duplicated. VCF-style (leftmost placement, unchanged base first): chr2-98383383-C-CG. GRCh37 (hg19) VCF-style: chr2-98999846-C-CG.
Other names: c.395+3030dup (NM_001079878.2).
Identifiers: ClinVar variation 960218 (VCV000960218.9), dbSNP rs1692579934, ClinGen allele CA1139657173.

ClinVar aggregate classification (germline): Uncertain significance (1 of 4 stars; one submission).

Submission:

Labcorp Genetics (formerly Invitae), Labcorp
Classification: Uncertain significance. Last evaluated: 2023-10-03. Review status: criteria provided, single submitter. Criteria: Invitae Variant Classification Sherloc (09022015). Collection method: clinical testing. Allele origin: germline.
Comment: This sequence change falls in intron 4 of the CNGA3 gene. It does not directly change the encoded amino acid sequence of the CNGA3 protein. It affects a nucleotide within the consensus splice site. This variant is not present in population databases (gnomAD no frequency). This variant has not been reported in the literature in individuals affected with CNGA3-related conditions. ClinVar contains an entry for this variant (Variation ID: 960218). Variants that disrupt the consensus splice site are a relatively common cause of aberrant splicing (PMID: 17576681, 9536098). Algorithms developed to predict the effect of sequence changes on RNA splicing suggest that this variant may disrupt the consensus splice site. In summary, the available evidence is currently insufficient to determine the role of this variant in disease. Therefore, it has been classified as a Variant of Uncertain Significance.

Literature cited by the submitters: PubMed 17576681; PubMed 9536098.